The following is an entry in ClinVar:

ClinVar aggregate classification (germline): Uncertain significance (1 of 4 stars; one submission).

Submission:

GeneDx
Classification: Uncertain significance. Last evaluated: 2023-01-12. Review status: criteria provided, single submitter. Criteria: GeneDx Variant Classification Process June 2021. Collection method: clinical testing. Allele origin: germline. Affected: yes.
Comment: Not observed at significant frequency in large population cohorts (gnomAD); In silico analysis supports that this missense variant does not alter protein structure/function; Has not been previously published as pathogenic or benign to our knowledge

NM_016148.5(SHANK1):c.1560C>A (p.Ser520Arg)

Gene: SHANK1 (SH3 and multiple ankyrin repeat domains 1; minus strand). Cytogenetic location: 19q13.33.
Variant type: single nucleotide variant.
Coding change: c.1560C>A on transcript NM_016148.5 (MANE Select); coding-DNA position 1560, C replaced by A.
Protein change: p.Ser520Arg; replaces serine 520 with arginine.
Molecular consequence: missense variant.
Genome position (GRCh38, 1-based): chr19:50,702,654, G>T on the plus strand (C>A on the coding strand, the complement: SHANK1 is on the minus strand). VCF-style: chr19-50702654-G-T. GRCh37 (hg19) VCF-style: chr19-51205911-G-T.
Other names: short protein forms S520R.
Identifiers: ClinVar variation 2572678 (VCV002572678.1), dbSNP rs1227673104, ClinGen allele CA407034589.